The following is an entry in ClinVar:

ClinVar aggregate classification (germline): Likely benign. Review status: criteria provided, multiple submitters, no conflicts (2 of 4 stars). 3 submissions from 3 submitters: Likely benign (2). 1 of the submissions does not count toward it. Last evaluated 2026-01-13.

Conditions:
SBF1-related disorder. Also called: SBF1-related condition.

Allele frequency attached by ClinVar (database versions not stated): 1000 Genomes Project 30x 0.00016; ExAC 0.00018; 1000 Genomes Project 0.00020.
gnomAD v4.1: 248 of 1,614,040 alleles (0.015%); highest among the groups gnomAD compares: South Asian, 0.09%; 2 homozygotes.

Submissions (3):

Labcorp Genetics (formerly Invitae), Labcorp
Classification: Likely benign. Last evaluated: 2026-01-13. Review status: criteria provided, single submitter. Criteria: Invitae Variant Classification Sherloc (09022015). Collection method: clinical testing. Allele origin: germline.

CeGaT Center for Human Genetics Tuebingen
Classification: Likely benign. Last evaluated: 2025-06-01. Review status: criteria provided, single submitter. Criteria: CeGaT Center For Human Genetics Tuebingen Variant Classification Criteria Version 2. Collection method: clinical testing. Allele origin: germline. Affected: yes. Observed: 1 variant allele.
Comment: SBF1: BP4, BS2

PreventionGenetics, part of Exact Sciences
Classification: Likely benign for SBF1-related condition. Last evaluated: 2019-07-12. Review status: no assertion criteria provided. Collection method: clinical testing. Allele origin: germline. Not counted in ClinVar's aggregate classification.
Comment: This variant is classified as likely benign based on ACMG/AMP sequence variant interpretation guidelines (Richards et al. 2015 PMID: 25741868, with internal and published modifications).

NM_002972.4(SBF1):c.4555-6G>A

Gene: SBF1 (SET binding factor 1; minus strand). Cytogenetic location: 22q13.33.
Variant type: single nucleotide variant.
Coding change: c.4555-6G>A on transcript NM_002972.4 (MANE Select); 6 bases into the intron before coding-DNA position 4555, G replaced by A.
Molecular consequence: intron variant.
Genome position (GRCh38, 1-based): chr22:50,455,148, C>T on the plus strand (G>A on the coding strand, the complement: SBF1 is on the minus strand). VCF-style: chr22-50455148-C-T. GRCh37 (hg19) VCF-style: chr22-50893577-C-T.
Other names: c.4555-6G>A (NM_002972.3); c.4480-6G>A (NM_001365819.1).
Identifiers: ClinVar variation 1594358 (VCV001594358.18), dbSNP rs551761301, ClinGen allele CA10316204.